The following is an entry in ClinVar:

NM_001385875.1(ZFYVE27):c.53T>C (p.Met18Thr)

Gene: ZFYVE27 (zinc finger FYVE-type containing 27; plus strand). Cytogenetic location: 10q24.2.
Variant type: single nucleotide variant.
Coding change: c.53T>C on transcript NM_001385875.1 (MANE Select); coding-DNA position 53, T replaced by C.
Protein change: p.Met18Thr; replaces methionine 18 with threonine.
Molecular consequence: missense variant. On other transcripts: 5 prime UTR variant (13), non-coding transcript variant (17), intron variant (5).
Genome position (GRCh38, 1-based): chr10:97,738,530, T>C. VCF-style: chr10-97738530-T-C. GRCh37 (hg19) VCF-style: chr10-99498287-T-C.
Other names: c.53T>C (NM_001002261.3); c.53T>C, p.Met18Thr (NM_001002261.4, NM_001002262.4, NM_001174119.2 and 24 more transcripts); c.-127T>C (NM_001385890.1, NM_001385893.1, NM_001385895.1 and 2 more transcripts); c.-114T>C (NM_001385899.1, NM_001385900.1, NM_001385903.1 and 4 more transcripts); c.-142T>C (NM_001385915.1); c.-8+1209T>C (NM_001385891.1, NM_001385894.1, NM_001385892.1 and 1 more transcripts); c.-27+1209T>C (NM_001174121.2); short protein forms M18T.
Identifiers: ClinVar variation 1380150 (VCV001380150.9), dbSNP rs769322350, ClinGen allele CA5635034.

ClinVar aggregate classification (germline): Uncertain significance. Review status: criteria provided, multiple submitters, no conflicts (2 of 4 stars). 2 submissions from 2 submitters: Uncertain significance (2). Last evaluated 2025-02-27.

Conditions:
Spastic paraplegia. Identifiers: MedGen C0037772, HP:0001258.

Allele frequency attached by ClinVar (database versions not stated): ExAC 0.00002; gnomAD exomes 0.00005; gnomAD 0.00011 and 0.00012; TOPMed 0.00013.

Submissions (2):

Ambry Genetics
Classification: Uncertain significance. Last evaluated: 2025-02-27. Review status: criteria provided, single submitter. Criteria: Ambry Variant Classification Scheme 2023. Collection method: clinical testing. Allele origin: germline.

Labcorp Genetics (formerly Invitae), Labcorp
Classification: Uncertain significance for Spastic paraplegia. Last evaluated: 2023-08-17. Review status: criteria provided, single submitter. Criteria: Invitae Variant Classification Sherloc (09022015). Collection method: clinical testing. Allele origin: germline.
Comment: An algorithm developed to predict the effect of missense changes on protein structure and function (PolyPhen-2) suggests that this variant is likely to be tolerated. ClinVar contains an entry for this variant (Variation ID: 1380150). In summary, the available evidence is currently insufficient to determine the role of this variant in disease. Therefore, it has been classified as a Variant of Uncertain Significance. This sequence change replaces methionine, which is neutral and non-polar, with threonine, which is neutral and polar, at codon 18 of the ZFYVE27 protein (p.Met18Thr). This variant is present in population databases (rs769322350, gnomAD 0.03%), and has an allele count higher than expected for a pathogenic variant. This variant has not been reported in the literature in individuals affected with ZFYVE27-related conditions.